The following is an entry in ClinVar:

NM_006269.2(RP1):c.4679del (p.Val1560fs)

Gene: RP1 (RP1 axonemal microtubule associated; plus strand). Cytogenetic location: 8q12.1.
Variant type: Deletion.
Coding change: c.4679del on transcript NM_006269.2 (MANE Select); coding-DNA position 4679, one base deleted (T; older notation c.4679delT).
Protein change: p.Val1560fs; shifts the reading frame from valine 1560.
Molecular consequence: frameshift variant. On other transcripts: intron variant (1).
Genome position (GRCh38, 1-based): chr8:54,628,561, T deleted. VCF-style (leftmost placement, unchanged base first): chr8-54628560-GT-G. GRCh37 (hg19) VCF-style: chr8-55541120-GT-G.
Other names: c.787+6273del (NM_001375654.1); short protein forms V1560fs.
Identifiers: ClinVar variation 2025556 (VCV002025556.2), dbSNP rs2536585664, ClinGen allele CA2580078414.

ClinVar aggregate classification (germline): Pathogenic (1 of 4 stars; one submission).

Allele frequency attached by ClinVar (database versions not stated): gnomAD exomes below 0.00001.

Submission:

Labcorp Genetics (formerly Invitae), Labcorp
Classification: Pathogenic. Last evaluated: 2022-02-23. Review status: criteria provided, single submitter. Criteria: Invitae Variant Classification Sherloc (09022015). Collection method: clinical testing. Allele origin: germline.
Comment: For these reasons, this variant has been classified as Pathogenic. This variant disrupts the C-terminus of the RP1 protein. Many variants that disrupt this region have been reported in individuals with either autosomal dominant or autosomal recessive retinitis pigmentosa (PMID: 11527933, 19933189, 29425069, 30027431). Therefore, variants that disrupt this region are expected to be disease-causing. This variant has not been reported in the literature in individuals affected with RP1-related conditions. This variant is not present in population databases (gnomAD no frequency). This sequence change creates a premature translational stop signal (p.Val1560Glufs*3) in the RP1 gene. While this is not anticipated to result in nonsense mediated decay, it is expected to disrupt the last 597 amino acid(s) of the RP1 protein.

Literature cited by the submitters: PubMed 11527933; PubMed 19933189; PubMed 29425069; PubMed 30027431.